The following is an entry in ClinVar:

NM_000548.5(TSC2):c.3680_3685del (p.Pro1227_Leu1228del)

Gene: TSC2 (TSC complex subunit 2; plus strand). Cytogenetic location: 16p13.3.
Variant type: Deletion.
Coding change: c.3680_3685del on transcript NM_000548.5 (MANE Select); coding-DNA positions 3680 to 3685, 6 bases deleted (CCCTGC; older notation c.3680_3685delCCCTGC).
Protein change: p.Pro1227_Leu1228del.
Molecular consequence: inframe deletion. On other transcripts: non-coding transcript variant (5).
Genome position (GRCh38, 1-based): chr16:2,081,664-2,081,669, CCCTGC deleted; deleting any 6 consecutive bases within chr16:2,081,661-2,081,669 gives the same sequence; the c. name uses the placement nearest the transcript's 3' end. VCF-style (leftmost placement, unchanged base first): chr16-2081660-ATGCCCC-A. GRCh37 (hg19) VCF-style: chr16-2131661-ATGCCCC-A.
Other names: c.3548_3553del, p.Pro1183_Leu1184del (NM_001077183.3, NM_001370404.1, NM_001406665.1); c.3680_3685del, p.Pro1227_Leu1228del (NM_001114382.3); c.3440_3445del, p.Pro1147_Leu1148del (NM_001318827.2); c.3404_3409del, p.Pro1135_Leu1136del (NM_001318829.2); c.2948_2953del, p.Pro983_Leu984del (NM_001318831.2, NM_001406687.1, NM_001406688.1); c.3581_3586del, p.Pro1194_Leu1195del (NM_001318832.2); c.3551_3556del, p.Pro1184_Leu1185del (NM_001363528.2, NM_001370405.1, NM_021055.3); c.3677_3682del, p.Pro1226_Leu1227del (NM_001406663.1, NM_001406664.1); and 18 more.
Identifiers: ClinVar variation 2497442 (VCV002497442.3), dbSNP rs2544155644, ClinGen allele CA2580091013.

ClinVar aggregate classification (germline): Uncertain significance. Review status: criteria provided, multiple submitters, no conflicts (2 of 4 stars). 2 submissions from 2 submitters: Uncertain significance (2). Last evaluated 2025-07-07.

Conditions:
Tuberous sclerosis 2 (TSC2). Identifiers: Orphanet 805, MedGen C1860707, MONDO:0013199, OMIM 613254.
Hereditary cancer-predisposing syndrome. Also called: Tumor predisposition; Hereditary neoplastic syndrome; Neoplastic Syndromes, Hereditary; Hereditary Cancer Syndrome. Identifiers: Orphanet 140162, MedGen C0027672, MeSH D009386, MONDO:0015356.

Submissions (2):

Labcorp Genetics (formerly Invitae), Labcorp
Classification: Uncertain significance for Tuberous sclerosis 2. Last evaluated: 2025-07-07. Review status: criteria provided, single submitter. Criteria: Invitae Variant Classification Sherloc (09022015). Collection method: clinical testing. Allele origin: germline.
Comment: This variant, c.3680_3685del, results in the deletion of 2 amino acid(s) of the TSC2 protein (p.Pro1227_Leu1228del), but otherwise preserves the integrity of the reading frame. This variant is not present in population databases (gnomAD no frequency). This variant has not been reported in the literature in individuals affected with TSC2-related conditions. ClinVar contains an entry for this variant (Variation ID: 2497442). Experimental studies and prediction algorithms are not available or were not evaluated, and the functional significance of this variant is currently unknown. In summary, the available evidence is currently insufficient to determine the role of this variant in disease. Therefore, it has been classified as a Variant of Uncertain Significance.

Ambry Genetics
Classification: Uncertain significance for Hereditary cancer-predisposing syndrome. Last evaluated: 2023-01-23. Review status: criteria provided, single submitter. Criteria: Ambry Variant Classification Scheme 2023. Collection method: clinical testing. Allele origin: germline.
Comment: The c.3680_3685delCCCTGC variant (also known as p.P1227_L1228del) is located in coding exon 30 of the TSC2 gene. This variant results from an in-frame CCCTGC deletion at nucleotide positions 3680 to 3685. This results in the in-frame deletion of proline and leucine residues at codons 1227 and 1228. This amino acid region is highly conserved in available vertebrate species. In addition, this alteration is predicted to be deleterious by in silico analysis (Choi Y et al. PLoS ONE. 2012; 7(10):e46688). Since supporting evidence is limited at this time, the clinical significance of this alteration remains unclear.